The following is an entry in ClinVar:

ClinVar aggregate classification (germline): Likely pathogenic (1 of 4 stars; one submission).

Conditions:
Intellectual disability-facial dysmorphism syndrome due to SETD5 haploinsufficiency (MRD23). Also called: Intellectual developmental disorder, autosomal dominant 23. Identifiers: Orphanet 404440, MedGen C3810406, MONDO:0014336, OMIM 615761.

Submission:

3billion
Classification: Likely pathogenic for Intellectual disability-facial dysmorphism syndrome due to SETD5 haploinsufficiency. Last evaluated: 2025-07-16. Review status: criteria provided, single submitter. Criteria: ACMG Guidelines, 2015. Collection method: clinical testing. Allele origin: germline. Affected: yes.
Comment: The variant is not observed in the gnomAD v4.1.0 dataset. Predicted Consequence/Location: Frameshift: predicted to result in a loss or disruption of normal protein function through nonsense-mediated decay (NMD) or protein truncation. Multiple pathogenic variants are reported downstream of the variant. Therefore, this variant is classified as Likely pathogenic according to the recommendation of ACMG/AMP guideline.

NM_001080517.3(SETD5):c.754del (p.Thr252fs)

Gene: SETD5 (SET domain containing 5; plus strand). Cytogenetic location: 3p25.3.
Variant type: Deletion.
Coding change: c.754del on transcript NM_001080517.3 (MANE Select); coding-DNA position 754, one base deleted (A; older notation c.754delA).
Protein change: p.Thr252fs; shifts the reading frame from threonine 252.
Molecular consequence: frameshift variant.
Genome position (GRCh38, 1-based): chr3:9,440,642, A deleted. VCF-style (leftmost placement, unchanged base first): chr3-9440641-CA-C. GRCh37 (hg19) VCF-style: chr3-9482325-CA-C.
Other names: c.460del, p.Thr154fs (NM_001292043.2, NM_001349451.2); c.850del, p.Thr284fs (NM_001437633.1); c.811del, p.Thr271fs (NM_001437635.1); c.754del, p.Thr252fs (NM_001437643.1); c.793del, p.Thr265fs (NM_001437701.1); short protein forms T154fs, T252fs, T265fs, T271fs, T284fs.
Identifiers: ClinVar variation 4854012 (VCV004854012.1).